The following is an entry in ClinVar:

ClinVar aggregate classification (germline): Likely pathogenic. Review status: criteria provided, single submitter (1 of 4 stars). 3 submissions from 3 submitters: Likely pathogenic (1). 2 of the submissions do not count toward it. Last evaluated 2024-06-20.

Conditions:
HYAL2 Deficiency. Identifiers: MedGen CN381107.
Muggenthaler-Chowdhury-Chioza syndrome. Also called: FRONTONASAL DYSPLASIA AND MYOPIA WITH OR WITHOUT CARDIAC MALFORMATION AND CLEFT LIP/PALATE. Identifiers: Orphanet 508476, MedGen C5975586, MONDO:0976127, OMIM 621063.

Allele frequency attached by ClinVar (database versions not stated): gnomAD exomes below 0.00001 and 0.00001; TOPMed below 0.00001.
gnomAD v4.1: 11 of 1,613,258 alleles (0.00068%); highest among the groups gnomAD compares: Admixed American, 0.0017%; no homozygotes.

Submissions (3):

Equipe Genetique des Anomalies du Developpement, Université de Bourgogne
Classification: Likely pathogenic for HYAL2 deficiency. Last evaluated: 2024-06-20. Review status: criteria provided, single submitter. Criteria: ACMG Guidelines, 2015. Collection method: clinical testing. Allele origin: paternal. Affected: yes.
Comment: Biallelic missense variants in HYAL2 have been linked to hyaluronidase type 2 deficit (PMID 37733894, 39056785). This variant is not present in a homozygous state in population database gnomAD (v4.1.0). It was reported as likely pathogenic once in ClinVar. In litterature, it was reported in three patients in a compound heterozygous state (PMID 34906488). Based on the evidence outlined above, the variant was classified as likely pathogenic.

OMIM
Classification: Pathogenic for MUGGENTHALER-CHOWDHURY-CHIOZA SYNDROME. Last evaluated: 2025-01-15. Review status: no assertion criteria provided. Collection method: literature only. Allele origin: germline. Not counted in ClinVar's aggregate classification.

New Leaf Center
Classification: Likely pathogenic for HYAL2 deficiency. Last evaluated: 2021-12-09. Review status: no assertion criteria provided. Collection method: research. Allele origin: germline. Inheritance: Autosomal recessive inheritance. Affected: yes. Observed: 2 variant alleles. Not counted in ClinVar's aggregate classification.
Comment: From Fasham et al. 2021: At extremely low frequency in gnomAD databases. In trans with p.(Ala64Thr). Cosegregation with disease in multiple affected family members (≤1/16). In silico missense prediction tools support a deleterious effect on the gene or gene product. A strong consensus supporting a clinical diagnosis with a specific phenotype.

Compoung heterozygous p.(Ala64Thr)|p.(Arg378Cys)

Literature cited by the submitters: PubMed 34906488 (cited by Equipe Genetique des Anomalies du Developpement, Université de Bourgogne and OMIM); DOI 10.1016/j.gim.2021.10.014 (cited by New Leaf Center).

NM_003773.5(HYAL2):c.1132C>T (p.Arg378Cys)

Gene: HYAL2 (hyaluronidase 2; minus strand). Cytogenetic location: 3p21.31.
Variant type: single nucleotide variant.
Coding change: c.1132C>T on transcript NM_003773.5 (MANE Select); coding-DNA position 1132, C replaced by T.
Protein change: p.Arg378Cys; replaces arginine 378 with cysteine.
Molecular consequence: missense variant.
Genome position (GRCh38, 1-based): chr3:50,318,419, G>A on the plus strand (C>T on the coding strand, the complement: HYAL2 is on the minus strand). VCF-style: chr3-50318419-G-A. GRCh37 (hg19) VCF-style: chr3-50355850-G-A.
Other names: c.1132C>T, p.Arg378Cys (NM_033158.5); short protein forms R378C.
Identifiers: ClinVar variation 1065395 (VCV001065395.6), dbSNP rs1553715895, ClinGen allele CA352904119.